The following is an entry in ClinVar:

NM_014112.5(TRPS1):c.570G>C (p.Leu190Phe)

Gene: TRPS1 (transcriptional repressor GATA binding 1; minus strand). Cytogenetic location: 8q23.3.
Variant type: single nucleotide variant.
Coding change: c.570G>C on transcript NM_014112.5 (MANE Select); coding-DNA position 570, G replaced by C.
Protein change: p.Leu190Phe; replaces leucine 190 with phenylalanine.
Molecular consequence: missense variant.
Genome position (GRCh38, 1-based): chr8:115,619,528, C>G on the plus strand (G>C on the coding strand, the complement: TRPS1 is on the minus strand). VCF-style: chr8-115619528-C-G. GRCh37 (hg19) VCF-style: chr8-116631755-C-G.
Other names: c.531G>C, p.Leu177Phe (NM_001330599.2); c.543G>C, p.Leu181Phe (NM_001282902.3); c.549G>C, p.Leu183Phe (NM_001282903.3); short protein forms L177F, L181F, L183F, L190F.
Identifiers: ClinVar variation 1720969 (VCV001720969.5), dbSNP rs1260569177, ClinGen allele CA372069340.

ClinVar aggregate classification (germline): Uncertain significance (1 of 4 stars; one submission).

Conditions:
Trichorhinophalangeal dysplasia type I (TRPS1). Also called: TRICHORHINOPHALANGEAL SYNDROME, TYPE I; TRPS I. Identifiers: Orphanet 77258, MedGen C0432233, MONDO:0008596, OMIM 190350.
Trichorhinophalangeal syndrome, type III (TRPS3). Also called: SUGIO-KAJII SYNDROME. Identifiers: Orphanet 77258, MedGen C1860823, OMIM 190351, MONDO:0008597.

gnomAD v4.1: 1 of 1,614,176 alleles (0.000062%); highest among the groups gnomAD compares: African/African-American, 0.0013%; no homozygotes.

Submission:

Labcorp Genetics (formerly Invitae), Labcorp
Classification: Uncertain significance for Trichorhinophalangeal syndrome, type III; Trichorhinophalangeal dysplasia type I. Last evaluated: 2023-10-13. Review status: criteria provided, single submitter. Criteria: Invitae Variant Classification Sherloc (09022015). Collection method: clinical testing. Allele origin: germline.
Comment: This sequence change replaces leucine, which is neutral and non-polar, with phenylalanine, which is neutral and non-polar, at codon 190 of the TRPS1 protein (p.Leu190Phe). This variant is not present in population databases (gnomAD no frequency). This variant has not been reported in the literature in individuals affected with TRPS1-related conditions. ClinVar contains an entry for this variant (Variation ID: 1720969). Advanced modeling of protein sequence and biophysical properties (such as structural, functional, and spatial information, amino acid conservation, physicochemical variation, residue mobility, and thermodynamic stability) performed at Invitae indicates that this missense variant is not expected to disrupt TRPS1 protein function. In summary, the available evidence is currently insufficient to determine the role of this variant in disease. Therefore, it has been classified as a Variant of Uncertain Significance.